The following is an entry in ClinVar:

NM_000143.4(FH):c.532A>G (p.Asn178Asp)

Gene: FH (fumarate hydratase; minus strand). Cytogenetic location: 1q43.
Variant type: single nucleotide variant.
Coding change: c.532A>G on transcript NM_000143.4 (MANE Select); coding-DNA position 532, A replaced by G.
Protein change: p.Asn178Asp; replaces asparagine 178 with aspartic acid.
Molecular consequence: missense variant.
Genome position (GRCh38, 1-based): chr1:241,511,990, T>C on the plus strand (A>G on the coding strand, the complement: FH is on the minus strand). VCF-style: chr1-241511990-T-C. GRCh37 (hg19) VCF-style: chr1-241675290-T-C.
Other names: short protein forms N178D.
Identifiers: ClinVar variation 3278748 (VCV003278748.1).

ClinVar aggregate classification (germline): Uncertain significance (1 of 4 stars; one submission).

Conditions:
Hereditary cancer-predisposing syndrome. Also called: Neoplastic Syndromes, Hereditary; Tumor predisposition; Hereditary Cancer Syndrome; Hereditary neoplastic syndrome. Identifiers: Orphanet 140162, MedGen C0027672, MeSH D009386, MONDO:0015356.

gnomAD v4.1: 1 of 1,614,000 alleles (0.000062%); highest among the groups gnomAD compares: East Asian, 0.0022%; no homozygotes.

Submissions (2):

Ambry Genetics
Classification: Uncertain significance for Hereditary cancer-predisposing syndrome. Last evaluated: 2024-05-19. Review status: criteria provided, single submitter. Criteria: Ambry Variant Classification Scheme 2023. Collection method: clinical testing. Allele origin: germline.
Comment: The p.N178D variant (also known as c.532A>G), located in coding exon 4 of the FH gene, results from an A to G substitution at nucleotide position 532. The asparagine at codon 178 is replaced by aspartic acid, an amino acid with highly similar properties. This amino acid position is conserved. In addition, this alteration is predicted to be deleterious by in silico analysis. Based on the available evidence, the clinical significance of this variant remains unclear.

Blake Wilde Laboratory, Roswell Park Comprehensive Cancer Center
No classification provided (evidence only). Condition: Hereditary leiomyomatosis and renal cell cancer. Review status: no classification provided. Collection method: in vitro. Allele origin: not applicable. Functional consequence: decreased enzyme activity. Not counted in ClinVar's aggregate classification.